The following is an entry in ClinVar:

NM_005996.4(TBX3):c.1710+5G>A

Gene: TBX3 (T-box transcription factor 3; minus strand). Cytogenetic location: 12q24.21.
Variant type: single nucleotide variant.
Coding change: c.1710+5G>A on transcript NM_005996.4 (MANE Select); 5 bases into the intron after coding-DNA position 1710, G replaced by A.
Molecular consequence: intron variant.
Genome position (GRCh38, 1-based): chr12:114,674,160, C>T on the plus strand (G>A on the coding strand, the complement: TBX3 is on the minus strand). VCF-style: chr12-114674160-C-T. GRCh37 (hg19) VCF-style: chr12-115111965-C-T.
Other names: c.1770+5G>A (NM_016569.4, NM_016569.3).
Identifiers: ClinVar variation 966419 (VCV000966419.9), dbSNP rs747911438, ClinGen allele CA1139662911.

ClinVar aggregate classification (germline): Conflicting classifications of pathogenicity. Review status: criteria provided, conflicting classifications (1 of 4 stars). 2 submissions from 2 submitters: Uncertain significance (1); Likely benign (1). Last evaluated 2025-08-30.

Conditions:
TBX3-related disorder. Also called: TBX3-related condition.
Ulnar-mammary syndrome (UMS). Also called: Ulnar-mammary syndrome of Pallister; PALLISTER ULNAR-MAMMARY SYNDROME; SCHINZEL SYNDROME. Identifiers: Orphanet 3138, MedGen C1866994, MONDO:0008411, OMIM 181450.

Submissions (2):

PreventionGenetics, part of Exact Sciences
Classification: Likely benign for TBX3-related condition. Last evaluated: 2025-08-30. Review status: criteria provided, single submitter. Criteria: ACMG Guidelines, 2015. Collection method: clinical testing. Allele origin: germline.
Comment: This variant is classified as likely benign based on ACMG/AMP sequence variant interpretation guidelines (Richards et al. 2015 PMID: 25741868, with internal and published modifications).

Labcorp Genetics (formerly Invitae), Labcorp
Classification: Uncertain significance for Ulnar-mammary syndrome. Last evaluated: 2019-10-15. Review status: criteria provided, single submitter. Criteria: Invitae Variant Classification Sherloc (09022015). Collection method: clinical testing. Allele origin: germline.
Comment: Nucleotide substitutions within the consensus splice site are a relatively common cause of aberrant splicing (PMID: 17576681, 9536098). Algorithms developed to predict the effect of sequence changes on RNA splicing suggest that this variant may create or strengthen a splice site, but this prediction has not been confirmed by published transcriptional studies. In summary, the available evidence is currently insufficient to determine the role of this variant in disease. Therefore, it has been classified as a Variant of Uncertain Significance. This variant has not been reported in the literature in individuals with TBX3-related conditions. This variant is not present in population databases (ExAC no frequency). This sequence change falls in intron 6 of the TBX3 gene. It does not directly change the encoded amino acid sequence of the TBX3 protein, but it affects a nucleotide within the consensus splice site of the intron.

Literature cited by the submitters: PubMed 17576681 (cited by Labcorp Genetics (formerly Invitae), Labcorp); PubMed 9536098 (cited by Labcorp Genetics (formerly Invitae), Labcorp).